The following is an entry in ClinVar:

ClinVar aggregate classification (germline): Benign. Review status: criteria provided, multiple submitters, no conflicts (2 of 4 stars). 5 submissions from 4 submitters: Benign (5). Last evaluated 2021-07-08.

Conditions:
Neu-Laxova syndrome 1 (NLS1). Identifiers: Orphanet 2671, Orphanet 583607, MedGen C4551478, MONDO:0009736, OMIM 256520. Disease mechanism: loss of function.
PHGDH deficiency. Identifiers: Orphanet 79351, MedGen C1866174, MONDO:0011152, OMIM 601815.

Allele frequency attached by ClinVar (database versions not stated): 1000 Genomes Project 0.81749; TOPMed 0.76662; 1000 Genomes Project 30x 0.81621.

Submissions (5):

Genome-Nilou Lab
Classification: Benign for Neu-Laxova syndrome 1. Last evaluated: 2021-07-08. Review status: criteria provided, single submitter. Criteria: ACMG Guidelines, 2015. Collection method: clinical testing. Allele origin: germline. Affected: no.

Genome-Nilou Lab
Classification: Benign for PHGDH deficiency. Last evaluated: 2021-07-08. Review status: criteria provided, single submitter. Criteria: ACMG Guidelines, 2015. Collection method: clinical testing. Allele origin: germline. Affected: no.

GeneDx
Classification: Benign. Last evaluated: 2021-03-08. Review status: criteria provided, single submitter. Criteria: GeneDx Variant Classification Process June 2021. Collection method: clinical testing. Allele origin: germline. Affected: yes.

Illumina Laboratory Services, Illumina
Classification: Benign for PHGDH deficiency. Last evaluated: 2018-01-13. Review status: criteria provided, single submitter. Criteria: ICSL Variant Classification Criteria 13 December 2019. Collection method: clinical testing. Allele origin: germline.
Comment: This variant was observed in the ICSL laboratory as part of a predisposition screen in an ostensibly healthy population. It had not been previously curated by ICSL or reported in the Human Gene Mutation Database (HGMD: prior to June 1st, 2018), and was therefore a candidate for classification through an automated scoring system. Utilizing variant allele frequency, disease prevalence and penetrance estimates, and inheritance mode, an automated score was calculated to assess if this variant is too frequent to cause the disease. Based on the score and internal cut-off values, a variant classified as benign is not then subjected to further curation. The score for this variant resulted in a classification of benign for this disease.

Breakthrough Genomics
Classification: Benign. Review status: criteria provided, single submitter. Criteria: ACMG Guidelines, 2015. Collection method: not provided. Allele origin: germline. Inheritance: Autosomal recessive inheritance. Affected: yes.

NM_006623.3(PHGDH):c.-101G>C

Gene: PHGDH (phosphoglycerate dehydrogenase; plus strand). Cytogenetic location: 1p12.
Variant type: single nucleotide variant.
Coding change: c.-101G>C on transcript NM_006623.3; 101 bases upstream of the start codon, G replaced by C.
Genome position (GRCh38, 1-based): chr1:119,711,922, G>C. VCF-style: chr1-119711922-G-C. GRCh37 (hg19) VCF-style: chr1-120254545-G-C.
Identifiers: ClinVar variation 292300 (VCV000292300.14), dbSNP rs562038, ClinGen allele CA10607518.
Genomic context (GRCh38, chr1:119,711,922, plus strand): 5'-TCCAATCAAAAGGAGACTGTAAGAGGAGGAGGAGGAGGAGATGACTGGGGAGCGGGAGCT[G>C]GAGAATACTGCCCAGTTACTCTAGCGCGCCAGGCCGAACCGCAGCTTCTTGGCTTAGGTA-3'